The following is an entry in ClinVar:

NM_012213.3(MLYCD):c.394G>T (p.Ala132Ser)

Gene: MLYCD (malonyl-CoA decarboxylase; plus strand). Cytogenetic location: 16q23.3.
Variant type: single nucleotide variant.
Coding change: c.394G>T on transcript NM_012213.3 (MANE Select); coding-DNA position 394, G replaced by T.
Protein change: p.Ala132Ser; replaces alanine 132 with serine.
Molecular consequence: missense variant.
Genome position (GRCh38, 1-based): chr16:83,899,538, G>T. VCF-style: chr16-83899538-G-T. GRCh37 (hg19) VCF-style: chr16-83933143-G-T.
Other names: short protein forms A132S.
Identifiers: ClinVar variation 835358 (VCV000835358.9), dbSNP rs775855312, ClinGen allele CA8197213.

ClinVar aggregate classification (germline): Uncertain significance (1 of 4 stars; one submission).

Conditions:
Deficiency of malonyl-CoA decarboxylase. Also called: Malonic aciduria; MCD deficiency. Identifiers: Orphanet 943, MedGen C0342793, MONDO:0009556, OMIM 248360.

Allele frequency attached by ClinVar (database versions not stated): ExAC 0.00001; TOPMed 0.00001.
gnomAD v4.1: 25 of 1,591,044 alleles (0.0016%); highest among the groups gnomAD compares: Non-Finnish European, 0.0021%; no homozygotes.

Submission:

Labcorp Genetics (formerly Invitae), Labcorp
Classification: Uncertain significance for Deficiency of malonyl-CoA decarboxylase. Last evaluated: 2023-11-10. Review status: criteria provided, single submitter. Criteria: Invitae Variant Classification Sherloc (09022015). Collection method: clinical testing. Allele origin: germline.
Comment: This sequence change replaces alanine, which is neutral and non-polar, with serine, which is neutral and polar, at codon 132 of the MLYCD protein (p.Ala132Ser). The frequency data for this variant in the population databases is considered unreliable, as metrics indicate poor data quality at this position in the gnomAD database. This variant has not been reported in the literature in individuals affected with MLYCD-related conditions. ClinVar contains an entry for this variant (Variation ID: 835358). An algorithm developed to predict the effect of missense changes on protein structure and function (PolyPhen-2) suggests that this variant is likely to be tolerated. In summary, the available evidence is currently insufficient to determine the role of this variant in disease. Therefore, it has been classified as a Variant of Uncertain Significance.